The following is an entry in ClinVar:

NM_014797.3(ZBTB24):c.1856G>A (p.Ser619Asn)

Gene: ZBTB24 (zinc finger and BTB domain containing 24; minus strand). Cytogenetic location: 6q21.
Variant type: single nucleotide variant.
Coding change: c.1856G>A on transcript NM_014797.3 (MANE Select); coding-DNA position 1856, G replaced by A.
Protein change: p.Ser619Asn; replaces serine 619 with asparagine.
Molecular consequence: missense variant.
Genome position (GRCh38, 1-based): chr6:109,466,089, C>T on the plus strand (G>A on the coding strand, the complement: ZBTB24 is on the minus strand). VCF-style: chr6-109466089-C-T. GRCh37 (hg19) VCF-style: chr6-109787292-C-T.
Other names: short protein forms S619N.
Identifiers: ClinVar variation 1896960 (VCV001896960.2), dbSNP rs772969544, ClinGen allele CA3954008.

ClinVar aggregate classification (germline): Uncertain significance (1 of 4 stars; one submission).

Conditions:
Immunodeficiency-centromeric instability-facial anomalies syndrome 2 (ICF2). Identifiers: Orphanet 2268, MedGen C3279748, MONDO:0013553, OMIM 614069.

Allele frequency attached by ClinVar (database versions not stated): gnomAD 0.00001; gnomAD exomes 0.00002; ExAC 0.00003.
gnomAD v4.1: 30 of 1,614,102 alleles (0.0019%); highest among the groups gnomAD compares: South Asian, 0.031%; 1 homozygote.

Submission:

Labcorp Genetics (formerly Invitae), Labcorp
Classification: Uncertain significance for Immunodeficiency-centromeric instability-facial anomalies syndrome 2. Last evaluated: 2022-07-19. Review status: criteria provided, single submitter. Criteria: Invitae Variant Classification Sherloc (09022015). Collection method: clinical testing. Allele origin: germline.
Comment: This sequence change replaces serine, which is neutral and polar, with asparagine, which is neutral and polar, at codon 619 of the ZBTB24 protein (p.Ser619Asn). This variant is present in population databases (rs772969544, gnomAD 0.02%). This variant has not been reported in the literature in individuals affected with ZBTB24-related conditions. Algorithms developed to predict the effect of missense changes on protein structure and function output the following: SIFT: "Not Available"; PolyPhen-2: "Benign"; Align-GVGD: "Not Available". The asparagine amino acid residue is found in multiple mammalian species, which suggests that this missense change does not adversely affect protein function. In summary, the available evidence is currently insufficient to determine the role of this variant in disease. Therefore, it has been classified as a Variant of Uncertain Significance.